The following is an entry in ClinVar:

NM_144999.4(LRRC45):c.558C>A (p.Leu186=)

Gene: LRRC45 (leucine rich repeat containing 45; plus strand). Cytogenetic location: 17q25.3.
Variant type: single nucleotide variant.
Coding change: c.558C>A on transcript NM_144999.4 (MANE Select); coding-DNA position 558, C replaced by A.
Protein change: p.Leu186=; no amino-acid change (leucine 186 retained).
Molecular consequence: synonymous variant.
Genome position (GRCh38, 1-based): chr17:82,025,404, C>A. VCF-style: chr17-82025404-C-A. GRCh37 (hg19) VCF-style: chr17-79983280-C-A.
Identifiers: ClinVar variation 4992708 (VCV004992708.1).

ClinVar aggregate classification (germline): Likely benign (1 of 4 stars; one submission).

Conditions:
LRRC45-related disorder. Also called: LRRC45-related condition.

gnomAD v4.1: 2 of 1,596,690 alleles (0.00013%); highest among the groups gnomAD compares: Non-Finnish European, 0.00017%; no homozygotes.

Submission:

PreventionGenetics, part of Exact Sciences
Classification: Likely benign for LRRC45-related condition. Last evaluated: 2026-07-18. Review status: criteria provided, single submitter. Criteria: ACMG Guidelines, 2015. Collection method: clinical testing. Allele origin: germline.
Comment: This variant is classified as likely benign based on ACMG/AMP sequence variant interpretation guidelines (Richards et al. 2015 PMID: 25741868, with internal and published modifications).